The following is an entry in ClinVar:

ClinVar aggregate classification (germline): Pathogenic (1 of 4 stars; one submission).

Conditions:
Facioscapulohumeral muscular dystrophy 2 (FSHD2). Also called: MUSCULAR DYSTROPHY, FACIOSCAPULOHUMERAL, TYPE 1B; FACIOSCAPULOHUMERAL MUSCULAR DYSTROPHY 2, DIGENIC; FSHD2, DIGENIC. Identifiers: Orphanet 269, MedGen C1834671, MONDO:0008031, OMIM 158901.

Submission:

Labcorp Genetics (formerly Invitae), Labcorp
Classification: Pathogenic for Facioscapulohumeral muscular dystrophy 2. Last evaluated: 2018-02-19. Review status: criteria provided, single submitter. Criteria: Invitae Variant Classification Sherloc (09022015). Collection method: clinical testing. Allele origin: germline.
Comment: Loss-of-function variants in SMCHD1 are known to be pathogenic (PMID: 23143600). For these reasons, this variant has been classified as Pathogenic. This variant has not been reported in the literature in individuals with SMCHD1-related disease. This variant is not present in population databases (ExAC no frequency). This sequence change creates a premature translational stop signal (p.Ile1608Tyrfs*9) in the SMCHD1 gene. It is expected to result in an absent or disrupted protein product.

Literature cited by the submitters: PubMed 23143600.

NM_015295.3(SMCHD1):c.4821dup (p.Ile1608fs)

Gene: SMCHD1 (structural maintenance of chromosomes flexible hinge domain containing 1; plus strand). Cytogenetic location: 18p11.32.
Variant type: Duplication.
Coding change: c.4821dup on transcript NM_015295.3 (MANE Select); coding-DNA position 4821, one base duplicated (T; older notation c.4821dupT).
Protein change: p.Ile1608fs; shifts the reading frame from isoleucine 1608.
Molecular consequence: frameshift variant.
Genome position (GRCh38, 1-based): chr18:2,769,795, T duplicated. VCF-style (leftmost placement, unchanged base first): chr18-2769794-A-AT. GRCh37 (hg19) VCF-style: chr18-2769792-A-AT.
Other names: c.4821dupT (NM_015295.2); short protein forms I1608fs.
Identifiers: ClinVar variation 574293 (VCV000574293.6), dbSNP rs1568350731, ClinGen allele CA891844329.